The following is an entry in ClinVar:

NM_001355219.1(OR10G6):c.750G>A (p.Pro250=)

Gene: OR10G6 (olfactory receptor family 10 subfamily G member 6; minus strand). Cytogenetic location: 11q24.1.
Variant type: single nucleotide variant.
Coding change: c.750G>A on transcript NM_001355219.1 (MANE Select); coding-DNA position 750, G replaced by A.
Protein change: p.Pro250=; no amino-acid change (proline 250 retained).
Molecular consequence: synonymous variant.
Genome position (GRCh38, 1-based): chr11:123,994,412, C>T on the plus strand (G>A on the coding strand, the complement: OR10G6 is on the minus strand). VCF-style: chr11-123994412-C-T. GRCh37 (hg19) VCF-style: chr11-123865119-C-T.
Identifiers: ClinVar variation 2642487 (VCV002642487.24), dbSNP rs184126609, ClinGen allele CA230303362.

ClinVar aggregate classification (germline): Likely benign (1 of 4 stars; one submission).

Allele frequency attached by ClinVar (database versions not stated): gnomAD exomes 0.00018; 1000 Genomes Project 0.00020; gnomAD 0.00027; 1000 Genomes Project 30x 0.00031; TOPMed 0.00047.

Submission:

CeGaT Center for Human Genetics Tuebingen
Classification: Likely benign. Last evaluated: 2023-02-01. Review status: criteria provided, single submitter. Criteria: CeGaT Center For Human Genetics Tuebingen Variant Classification Criteria Version 2. Collection method: clinical testing. Allele origin: germline. Affected: yes. Observed: 1 variant allele.
Comment: OR10G6: BP4, BP7